The following is an entry in ClinVar:

ClinVar aggregate classification (germline): Uncertain significance (1 of 4 stars; one submission).

Allele frequency attached by ClinVar (database versions not stated): gnomAD exomes below 0.00001; TOPMed below 0.00001; gnomAD 0.00001.
gnomAD v4.1: 2 of 1,614,060 alleles (0.00012%); highest among the groups gnomAD compares: Non-Finnish European, 0.00017%; no homozygotes.

Submission:

Labcorp Genetics (formerly Invitae), Labcorp
Classification: Uncertain significance. Last evaluated: 2022-08-16. Review status: criteria provided, single submitter. Criteria: Invitae Variant Classification Sherloc (09022015). Collection method: clinical testing. Allele origin: germline.
Comment: This sequence change replaces methionine, which is neutral and non-polar, with leucine, which is neutral and non-polar, at codon 3672 of the LRP2 protein (p.Met3672Leu). This variant is present in population databases (no rsID available, gnomAD 0.0009%). This variant has not been reported in the literature in individuals affected with LRP2-related conditions. Algorithms developed to predict the effect of missense changes on protein structure and function output the following: SIFT: "Tolerated"; PolyPhen-2: "Benign"; Align-GVGD: "Class C0". The leucine amino acid residue is found in multiple mammalian species, which suggests that this missense change does not adversely affect protein function. In summary, the available evidence is currently insufficient to determine the role of this variant in disease. Therefore, it has been classified as a Variant of Uncertain Significance.

NM_004525.3(LRP2):c.11014A>T (p.Met3672Leu)

Gene: LRP2 (LDL receptor related protein 2; minus strand). Cytogenetic location: 2q31.1.
Variant type: single nucleotide variant.
Coding change: c.11014A>T on transcript NM_004525.3 (MANE Select); coding-DNA position 11014, A replaced by T.
Protein change: p.Met3672Leu; replaces methionine 3672 with leucine.
Molecular consequence: missense variant.
Genome position (GRCh38, 1-based): chr2:169,173,919, T>A on the plus strand (A>T on the coding strand, the complement: LRP2 is on the minus strand). VCF-style: chr2-169173919-T-A. GRCh37 (hg19) VCF-style: chr2-170030429-T-A.
Other names: short protein forms M3672L.
Identifiers: ClinVar variation 1986679 (VCV001986679.1), dbSNP rs1353449344, ClinGen allele CA349144224.